The following is an entry in ClinVar:

ClinVar aggregate classification (germline): Uncertain significance (1 of 4 stars; one submission).

Conditions:
Emery-Dreifuss muscular dystrophy (EDMD). Also called: Scapuloperoneal syndrome, X-linked (formerly); Humeroperoneal neuromuscular disease, (formerly). Identifiers: Orphanet 261, MedGen C0410189, MONDO:0016830.

Allele frequency attached by ClinVar (database versions not stated): gnomAD exomes below 0.00001.
gnomAD v4.1: 1 of 1,577,094 alleles (0.000063%); highest among the groups gnomAD compares: Non-Finnish European, 0.000086%; no homozygotes.

Submission:

Labcorp Genetics (formerly Invitae), Labcorp
Classification: Uncertain significance for Emery-Dreifuss muscular dystrophy. Last evaluated: 2022-03-19. Review status: criteria provided, single submitter. Criteria: Invitae Variant Classification Sherloc (09022015). Collection method: clinical testing. Allele origin: germline.
Comment: In summary, the available evidence is currently insufficient to determine the role of this variant in disease. Therefore, it has been classified as a Variant of Uncertain Significance. Algorithms developed to predict the effect of missense changes on protein structure and function are either unavailable or do not agree on the potential impact of this missense change (SIFT: "Tolerated"; PolyPhen-2: "Probably Damaging"; Align-GVGD: "Class C0"). This variant has not been reported in the literature in individuals affected with SUN2-related conditions. This variant is not present in population databases (gnomAD no frequency). This sequence change replaces glutamine, which is neutral and polar, with histidine, which is basic and polar, at codon 417 of the SUN2 protein (p.Gln417His).

NM_015374.3(SUN2):c.1251G>C (p.Gln417His)

Genes: GTPBP1 (GTP binding protein 1; plus strand), SUN2 (Sad1 and UNC84 domain containing 2; minus strand). Cytogenetic location: 22q13.1.
Variant type: single nucleotide variant.
Coding change: c.1251G>C on transcript NM_015374.3 (MANE Select); coding-DNA position 1251, G replaced by C.
Protein change: p.Gln417His; replaces glutamine 417 with histidine.
Molecular consequence: missense variant.
Genome position (GRCh38, 1-based): chr22:38,740,372, C>G on the plus strand (G>C on the coding strand, the complement: SUN2 is on the minus strand). VCF-style: chr22-38740372-C-G. GRCh37 (hg19) VCF-style: chr22-39136377-C-G.
Other names: c.1314G>C, p.Gln438His (NM_001199579.2, NM_001394428.1); c.1251G>C, p.Gln417His (NM_001199580.2, NM_001394431.1, NM_001394432.1 and 5 more transcripts); c.1344G>C, p.Gln448His (NM_001394427.1); c.1296G>C, p.Gln432His (NM_001394429.1, NM_001394430.1); c.1161G>C, p.Gln387His (NM_001394438.1); c.1113G>C, p.Gln371His (NM_001394439.1, NM_001394440.1, NM_001394441.1); c.852G>C, p.Gln284His (NM_001394442.1); c.759G>C, p.Gln253His (NM_001394443.1); and 1 more; short protein forms Q225H, Q371H, Q417H, Q253H, Q387H, Q284H, Q438H, Q432H.
Identifiers: ClinVar variation 2098435 (VCV002098435.4), dbSNP rs2517990721, ClinGen allele CA411584700.
Genomic context (GRCh38, chr22:38,740,372, plus strand): 5'-TTCCGCCACCGAGCTCTGCTTCAGTGCCAGAGCCGCCAGCTCCTGCTGCAGGCCGGCCAG[C>G]TGGTCCTCCAGCCGCCTCAGCTCCTTCACAGAGCTCTCCTGGAAGGACTCCTGGGTCATG-3'
Protein context (NP_056189.1, residues 407-427): SVKELRRLED[Gln417His]LAGLQQELAA